The following is an entry in ClinVar:

ClinVar aggregate classification (germline): Uncertain significance (1 of 4 stars; one submission).

Conditions:
DICER1-related tumor predisposition. Also called: DICER1 syndrome; DICER1-related pleuropulmonary blastoma cancer predisposition syndrome. Identifiers: Orphanet 284343, MedGen C3839822, MONDO:0100216.

Submission:

Labcorp Genetics (formerly Invitae), Labcorp
Classification: Uncertain significance for DICER1-related tumor predisposition. Last evaluated: 2020-07-12. Review status: criteria provided, single submitter. Criteria: Invitae Variant Classification Sherloc (09022015). Collection method: clinical testing. Allele origin: germline.
Comment: This variant has not been reported in the literature in individuals with DICER1-related conditions. This variant is not present in population databases (ExAC no frequency). This sequence change replaces serine with asparagine at codon 643 of the DICER1 protein (p.Ser643Asn). The serine residue is highly conserved and there is a small physicochemical difference between serine and asparagine. Algorithms developed to predict the effect of missense changes on protein structure and function (SIFT, PolyPhen-2, Align-GVGD) all suggest that this variant is likely to be disruptive, but these predictions have not been confirmed by published functional studies and their clinical significance is uncertain. In summary, the available evidence is currently insufficient to determine the role of this variant in disease. Therefore, it has been classified as a Variant of Uncertain Significance.

NM_177438.3(DICER1):c.1928G>A (p.Ser643Asn)

Gene: DICER1 (dicer 1, ribonuclease III; minus strand). Cytogenetic location: 14q32.13.
Variant type: single nucleotide variant.
Coding change: c.1928G>A on transcript NM_177438.3 (MANE Select); coding-DNA position 1928, G replaced by A.
Protein change: p.Ser643Asn; replaces serine 643 with asparagine.
Molecular consequence: missense variant.
Genome position (GRCh38, 1-based): chr14:95,113,204, C>T on the plus strand (G>A on the coding strand, the complement: DICER1 is on the minus strand). VCF-style: chr14-95113204-C-T. GRCh37 (hg19) VCF-style: chr14-95579541-C-T.
Other names: c.1928G>A, p.Ser643Asn (NM_001195573.1, NM_001271282.3, NM_001291628.2 and 1 more transcripts); short protein forms S643N.
Identifiers: ClinVar variation 999551 (VCV000999551.10), dbSNP rs1892138746, ClinGen allele CA390883504.
Genomic context (GRCh38, chr14:95,113,204, plus strand): 5'-AATGTACCATCAGGCAACTCTCGGGTTCTGCATTTAGGAGCTAGATGAGTAAACGGATCA[C>T]TTGGTAATCTAGCACAGTATCTGTGAAGAAAAAGAAATTCTGAGGCTGAATCTACAACTG-3'
Protein context (NP_803187.1, residues 633-653): HINRYCARLP[Ser643Asn]DPFTHLAPKC